The following is an entry in ClinVar:

ClinVar aggregate classification (germline): Benign (1 of 4 stars; one submission).

Submission:

GeneDx
Classification: Benign. Last evaluated: 2018-06-19. Review status: criteria provided, single submitter. Criteria: GeneDx Variant Classification (06012015). Collection method: clinical testing. Allele origin: germline. Affected: yes.
Comment: This variant is considered likely benign or benign based on one or more of the following criteria: it is a conservative change, it occurs at a poorly conserved position in the protein, it is predicted to be benign by multiple in silico algorithms, and/or has population frequency not consistent with disease.

NM_020320.5(RARS2):c.613-4111_613-4110insGATAA

Gene: RARS2 (arginyl-tRNA synthetase 2, mitochondrial; minus strand). Cytogenetic location: 6q15.
Variant type: Insertion.
Coding change: c.613-4111_613-4110insGATAA on transcript NM_020320.5 (MANE Select); 4111 bases into the intron before coding-DNA position 613 through 4110 bases into the intron before coding-DNA position 613, GATAA inserted.
Molecular consequence: intron variant.
Genome position: GRCh38 VCF-style: chr6-87535052-T-TTCTTA. GRCh37 (hg19) VCF-style: chr6-88244770-T-TTCTTA.
Other names: c.613-4111_613-4110insGATAA (NM_001350505.2); c.88-4111_88-4110insGATAA (NM_001350509.2, NM_001318785.2, NM_001350506.2 and 4 more transcripts).
Identifiers: ClinVar variation 683649 (VCV000683649.1), dbSNP rs71018031, ClinGen allele CA142851169.